The following is an entry in ClinVar:

NM_000059.4(BRCA2):c.8905G>A (p.Val2969Met)

Gene: BRCA2 (BRCA2 DNA repair associated; plus strand). Cytogenetic location: 13q13.1.
Variant type: single nucleotide variant.
Coding change: c.8905G>A on transcript NM_000059.4 (MANE Select); coding-DNA position 8905, G replaced by A.
Protein change: p.Val2969Met; replaces valine 2969 with methionine.
Molecular consequence: missense variant.
Genome position (GRCh38, 1-based): chr13:32,379,467, G>A. VCF-style: chr13-32379467-G-A. GRCh37 (hg19) VCF-style: chr13-32953604-G-A.
Other names: p.V2969M:GTG>ATG; 9133G>A; short protein forms V2969M.
Identifiers: ClinVar variation 52697 (VCV000052697.74), dbSNP rs59004709, ClinGen allele CA025866.

ClinVar aggregate classification (germline): Benign. Review status: reviewed by expert panel (3 of 4 stars). 25 submissions from 24 submitters: Benign (1). 24 of the submissions do not count toward it. Last evaluated 2015-08-10.

Conditions:
Breast and/or ovarian cancer. Identifiers: MedGen CN221562.
Hereditary cancer-predisposing syndrome. Also called: Hereditary Cancer Syndrome; Tumor predisposition; Neoplastic Syndromes, Hereditary; Hereditary neoplastic syndrome. Identifiers: Orphanet 140162, MedGen C0027672, MeSH D009386, MONDO:0015356.
Hereditary breast ovarian cancer syndrome. Also called: Breast and ovarian cancer; BRCA1- and BRCA2-Associated Hereditary Breast and Ovarian Cancer; Hereditary breast and ovarian cancer; Hereditary breast and ovarian cancer syndrome (HBOC); Hereditary breast and ovarian cancer syndrome; Hereditary breast and/or ovarian cancer syndrome. Identifiers: Orphanet 145, MedGen C0677776, MeSH D061325, MONDO:0003582. Disease mechanism: loss of function.
Fanconi anemia complementation group D1. Also called: BRCA2-Related Fanconi Anemia. Identifiers: Orphanet 319462, MedGen C1838457, MONDO:0011584, OMIM 605724.
Breast-ovarian cancer, familial, susceptibility to, 2 (BROVCA2). Also called: BRCA2 Hereditary Breast and Ovarian Cancer. Identifiers: Orphanet 145, MedGen C2675520, MONDO:0012933, OMIM 612555. Disease mechanism: loss of function.
Malignant tumor of breast. Also called: Malignant breast neoplasm; Cancer breast. Identifiers: MedGen C0006142, MONDO:0007254. Disease mechanism: loss of function.

Allele frequency attached by ClinVar (database versions not stated): gnomAD 0.00018 and 0.00019; ESP Exome Variant Server 0.00023; TOPMed 0.00023; gnomAD exomes 0.00030; ExAC 0.00041; 1000 Genomes Project 30x 0.00047; 1000 Genomes Project 0.00060.
gnomAD v4.1: 286 of 1,613,290 alleles (0.018%); highest among the groups gnomAD compares: Middle Eastern, 0.033%; no homozygotes.

Submissions 1 to 23 of 25:

Evidence-based Network for the Interpretation of Germline Mutant Alleles (ENIGMA)
Classification: Benign for Breast-ovarian cancer, familial 2. Last evaluated: 2015-08-10. Review status: reviewed by expert panel. Criteria: ENIGMA BRCA1/2 Classification Criteria (2015). Collection method: curation. Allele origin: germline.
Comment: IARC class based on posterior probability from multifactorial likelihood analysis, thresholds for class as per Plon et al. 2008 (PMID: 18951446). Class 1 based on posterior probability = 0.000011

CeGaT Center for Human Genetics Tuebingen
Classification: Benign. Last evaluated: 2026-02-01. Review status: criteria provided, single submitter. Criteria: CeGaT Center For Human Genetics Tuebingen Variant Classification Criteria Version 2. Collection method: clinical testing. Allele origin: germline. Affected: yes. Observed: 6 variant alleles. Not counted in ClinVar's aggregate classification.
Comment: BRCA2: BP4, BS1, BS2

Labcorp Genetics (formerly Invitae), Labcorp
Classification: Benign for Hereditary breast ovarian cancer syndrome. Last evaluated: 2026-01-27. Review status: criteria provided, single submitter. Criteria: Invitae Variant Classification Sherloc (09022015). Collection method: clinical testing. Allele origin: germline. Not counted in ClinVar's aggregate classification.

Dasa
Classification: Benign for Breast-ovarian cancer, familial, susceptibility to, 2. Last evaluated: 2025-12-18. Review status: criteria provided, single submitter. Criteria: DASA Assertion Criteria. Collection method: clinical testing. Allele origin: germline. Not counted in ClinVar's aggregate classification.
Comment: NM_000059.4(BRCA2):c.8905G>A (p.Val2969Met) is a missense variant that results in the substitution of valine with methionine. Functional evidence is consistent with no deleterious impact on the gene or gene product. Therefore, based on the currently available evidence, this variant is classified as benign.

Center for Genomic Medicine, Rigshospitalet, Copenhagen University Hospital
Classification: Benign. Last evaluated: 2025-03-04. Review status: criteria provided, single submitter. Criteria: ACMG Guidelines, 2015. Collection method: clinical testing. Allele origin: germline. Not counted in ClinVar's aggregate classification.

Blueprint Genetics
Classification: Likely benign. Last evaluated: 2024-10-03. Review status: criteria provided, single submitter. Criteria: ACMG Guidelines, 2015. Collection method: clinical testing. Allele origin: germline. Not counted in ClinVar's aggregate classification.

ARUP Laboratories, Molecular Genetics and Genomics, ARUP Laboratories
Classification: Benign. Last evaluated: 2024-03-22. Review status: criteria provided, single submitter. Criteria: ARUP Molecular Germline Variant Investigation Process 2024. Collection method: clinical testing. Allele origin: germline. Not counted in ClinVar's aggregate classification.

All of Us Research Program, National Institutes of Health
Classification: Likely benign for Breast-ovarian cancer, familial, susceptibility to, 2. Last evaluated: 2024-01-11. Review status: criteria provided, single submitter. Criteria: ACMG Guidelines, 2015. Collection method: clinical testing. Allele origin: germline. Inheritance: Autosomal dominant inheritance. Observed: 54 variant alleles, 54 heterozygotes. Not counted in ClinVar's aggregate classification.
Comment: This study involves interpretation of variants in research participants for the purpose of population health screening. Participant phenotype was not available at the time of variant classification. Additional details can be found in publication PMID: 35346344, PMCID: PMC8962531

Institute for Clinical Genetics, University Hospital TU Dresden, University Hospital TU Dresden
Classification: Benign. Last evaluated: 2021-11-03. Review status: criteria provided, single submitter. Criteria: ACMG Guidelines, 2015. Collection method: clinical testing. Allele origin: germline. Not counted in ClinVar's aggregate classification.

Sema4
Classification: Likely benign for Hereditary cancer-predisposing syndrome. Last evaluated: 2021-07-12. Review status: criteria provided, single submitter. Criteria: Sema4 Curation Guidelines. Collection method: curation. Allele origin: germline. Not counted in ClinVar's aggregate classification.

GeneDx
Classification: Likely benign. Last evaluated: 2020-10-09. Review status: criteria provided, single submitter. Criteria: GeneDx Variant Classification Process June 2021. Collection method: clinical testing. Allele origin: germline. Affected: yes. Not counted in ClinVar's aggregate classification.
Comment: This variant is associated with the following publications: (PMID: 21232165, 18559594, 21965345, 18375895, 20104584, 25948282, 26780556, 24323938, 28324225, 28678401, 17924331, 21990134, 29884841)

CHEO Genetics Diagnostic Laboratory, Children's Hospital of Eastern Ontario
Classification: Uncertain significance for Breast and/or ovarian cancer. Last evaluated: 2020-06-25. Review status: criteria provided, single submitter. Criteria: ACMG Guidelines, 2015. Collection method: clinical testing. Allele origin: germline. Not counted in ClinVar's aggregate classification.

Genetic Services Laboratory, University of Chicago
Classification: Likely benign. Last evaluated: 2019-06-25. Review status: criteria provided, single submitter. Criteria: ACMG Guidelines, 2015. Collection method: clinical testing. Allele origin: germline. Affected: no. Not counted in ClinVar's aggregate classification.

Illumina Laboratory Services, Illumina
Classification: Uncertain significance for Breast-ovarian cancer, familial, susceptibility to, 2. Last evaluated: 2018-01-13. Review status: criteria provided, single submitter. Criteria: ICSL Variant Classification Criteria 13 December 2019. Collection method: clinical testing. Allele origin: germline. Not counted in ClinVar's aggregate classification.

Illumina Laboratory Services, Illumina
Classification: Uncertain significance for Fanconi anemia complementation group D1. Last evaluated: 2018-01-13. Review status: criteria provided, single submitter. Criteria: ICSL Variant Classification Criteria 13 December 2019. Collection method: clinical testing. Allele origin: germline. Not counted in ClinVar's aggregate classification.

Color Diagnostics, LLC DBA Color Health
Classification: Likely benign for Hereditary cancer-predisposing syndrome. Last evaluated: 2015-07-23. Review status: criteria provided, single submitter. Criteria: ACMG Guidelines, 2015. Collection method: clinical testing. Allele origin: germline. Not counted in ClinVar's aggregate classification.

Ambry Genetics
Classification: Benign for Hereditary cancer-predisposing syndrome. Last evaluated: 2014-11-19. Review status: criteria provided, single submitter. Criteria: Ambry Variant Classification Scheme 2023. Collection method: clinical testing. Allele origin: germline. Not counted in ClinVar's aggregate classification.

BRCAlab, Lund University
Classification: Benign for Breast-ovarian cancer, familial, susceptibility to, 2. Last evaluated: 2020-03-02. Review status: no assertion criteria provided. Collection method: clinical testing. Allele origin: germline. Affected: yes. Not counted in ClinVar's aggregate classification.

Counsyl
Classification: Likely benign for Breast-ovarian cancer, familial 2. Last evaluated: 2014-03-20. Review status: no assertion criteria provided. Collection method: literature only. Allele origin: unknown. Inheritance: Autosomal dominant inheritance. Not counted in ClinVar's aggregate classification.

Sharing Clinical Reports Project (SCRP)
Classification: Uncertain significance for Breast-ovarian cancer, familial 2. Last evaluated: 2006-11-06. Review status: no assertion criteria provided. Collection method: clinical testing. Allele origin: germline. Not counted in ClinVar's aggregate classification.

Breast Cancer Information Core (BIC) (BRCA2)
Classification: Uncertain significance for Breast-ovarian cancer, familial 2. Last evaluated: 2002-05-29. Review status: no assertion criteria provided. Collection method: clinical testing. Allele origin: germline. Affected: yes. Observed: 24 variant alleles. Not counted in ClinVar's aggregate classification.

Clinical Genetics DNA and cytogenetics Diagnostics Lab, Erasmus MC, Erasmus Medical Center
Classification: Benign. Review status: no assertion criteria provided. Collection method: clinical testing. Allele origin: germline. Affected: yes. Study: VKGL Data-share Consensus. Not counted in ClinVar's aggregate classification.

Clinical Genetics Laboratory, Department of Pathology, Netherlands Cancer Institute
Classification: Benign. Review status: no assertion criteria provided. Collection method: clinical testing. Allele origin: germline. Affected: yes. Study: VKGL Data-share Consensus. Not counted in ClinVar's aggregate classification.